The following is an entry in ClinVar:

NC_000020.11:g.63255263_63498365del

Genes: ARFGAP1 (ARF GTPase activating protein 1; plus strand), CHRNA4 (cholinergic receptor nicotinic alpha 4 subunit; minus strand), COL20A1 (collagen type XX alpha 1 chain; plus strand), EEF1A2 (eukaryotic translation elongation factor 1 alpha 2; minus strand), FLJ16779 (uncharacterized LOC100192386; plus strand) and 16 more. Cytogenetic location: 20q13.33.
Variant type: Deletion.
Identifiers: ClinVar variation 1341868 (VCV001341868.3).

ClinVar aggregate classification (germline): Likely pathogenic (1 of 4 stars; one submission).

Submission:

New York Genome Center
Classification: Likely pathogenic. Last evaluated: 2020-05-22. Review status: criteria provided, single submitter. Criteria: NYGC Assertion Criteria 2020. Collection method: clinical testing. Allele origin: inherited. Affected: yes. Observed: 1 variant allele. Study: CSER-NYCKidSeq.
Comment: Microdeletions containing CHRNA4 and KCNQ2 have been identified in several individuals with Benign Familial Neonatal seizures [PMID:29614566; PMID:26030193; PMID:19822871], and microdeletions larger than the one identified here including EEF1A2 as well as additional OMIM associated genes have been identified in individuals with neonatal or infantile onset seizures and neurodevelopmental phenotypes including developmental delay, intellectual disability, and dysmorphic features [PMID:20805988; PMID:25667822; PMID:30866059]. To our current knowledge there are no individuals in the literature reported with microduplications identical to the one identified here, or containing only the 3 OMIM disease associated genes CHRNA4, KCNQ2, and EEF1A2. However, microduplications containing KCNQ2 and EEF1A2 [Patient P6; [PMID:25921748]]) or CHRNA4, KCNQ2, and EEF1A2 [Patients P7, P8; [PMID:30866059], and [PMID:25921748]) have been observed in individuals with neonatal or infantile onset seizures and a variety of additional neurodevelopmental features including developmental delay, intellectual disability, and gait abnormalities. These studies suggest that both copy number gain and losses in this region are associated with seizures or seizures with additional neurodevelopmental phenotypes. The inherited 20q13.33 (Chr20:63255263_63498365del) copy number variant is reported here as Likely Pathogenic.